The following is an entry in ClinVar:

ClinVar aggregate classification (germline): Likely benign. Review status: criteria provided, multiple submitters, no conflicts (2 of 4 stars). 3 submissions from 3 submitters: Likely benign (3). Last evaluated 2025-08-17.

Conditions:
Diamond-Blackfan anemia 8 (DBA8). Also called: RPS7-Related Diamond-Blackfan Anemia. Identifiers: Orphanet 124, MedGen C2675511, MONDO:0012939, OMIM 612563.

Allele frequency attached by ClinVar (database versions not stated): ExAC 0.00005; gnomAD 0.00006; gnomAD exomes 0.00006 and 0.00011; TOPMed 0.00006.
gnomAD v4.1: 167 of 1,609,864 alleles (0.01%); highest among the groups gnomAD compares: South Asian, 0.024%; 1 homozygote.

Submissions (3):

Labcorp Genetics (formerly Invitae), Labcorp
Classification: Likely benign for Diamond-Blackfan anemia 8. Last evaluated: 2025-08-17. Review status: criteria provided, single submitter. Criteria: Invitae Variant Classification Sherloc (09022015). Collection method: clinical testing. Allele origin: germline.

Fulgent Genetics
Classification: Likely benign for Diamond-Blackfan anemia 8. Last evaluated: 2021-10-30. Review status: criteria provided, single submitter. Criteria: ACMG Guidelines, 2015. Collection method: clinical testing. Allele origin: unknown.

Illumina Laboratory Services, Illumina
Classification: Likely benign for Diamond-Blackfan anemia 8. Last evaluated: 2018-01-12. Review status: criteria provided, single submitter. Criteria: ICSL Variant Classification Criteria 13 December 2019. Collection method: clinical testing. Allele origin: germline.
Comment: This variant was observed in the ICSL laboratory as part of a predisposition screen in an ostensibly healthy population. It had not been previously curated by ICSL or reported in the Human Gene Mutation Database (HGMD: prior to June 1st, 2018), and was therefore a candidate for classification through an automated scoring system. Utilizing variant allele frequency, disease prevalence and penetrance estimates, and inheritance mode, an automated score was calculated to assess if this variant is too frequent to cause the disease. Based on the score and internal cut-off values, a variant classified as likely benign is not then subjected to further curation. The score for this variant resulted in a classification of likely benign for this disease.

NM_001011.4(RPS7):c.75+13C>T

Gene: RPS7 (ribosomal protein S7; plus strand). Cytogenetic location: 2p25.3.
Variant type: single nucleotide variant.
Coding change: c.75+13C>T on transcript NM_001011.4 (MANE Select); 13 bases into the intron after coding-DNA position 75, C replaced by T.
Molecular consequence: intron variant.
Genome position (GRCh38, 1-based): chr2:3,575,697, C>T. VCF-style: chr2-3575697-C-T. GRCh37 (hg19) VCF-style: chr2-3623287-C-T.
Other names: c.75+13C>T (LRG_1148t1).
Identifiers: ClinVar variation 335903 (VCV000335903.10), dbSNP rs751796318, ClinGen allele CA1516529.
Genomic context (GRCh38, chr2:3,575,697, plus strand): 5'-AAGCCCAATGGCGAGAAGCCGGACGAGTTCGAGTCCGGCATCTCCCAGGTGAGAGGGTTT[C>T]CCTGGGGTCTGGGGTGGGGGGAGGCGCCCCGCCCGGGAGGGGAGGCGGCCGCGCGTGTGT-3'